The following is an entry in ClinVar:

NM_001145715.3(KPNA7):c.587C>T (p.Thr196Ile)

Gene: KPNA7 (karyopherin subunit alpha 7; minus strand). Cytogenetic location: 7q22.1.
Variant type: single nucleotide variant.
Coding change: c.587C>T on transcript NM_001145715.3 (MANE Select); coding-DNA position 587, C replaced by T.
Protein change: p.Thr196Ile; replaces threonine 196 with isoleucine.
Molecular consequence: missense variant.
Genome position (GRCh38, 1-based): chr7:99,193,068, G>A on the plus strand (C>T on the coding strand, the complement: KPNA7 is on the minus strand). VCF-style: chr7-99193068-G-A. GRCh37 (hg19) VCF-style: chr7-98790691-G-A.
Other names: short protein forms T196I.
Identifiers: ClinVar variation 1478561 (VCV001478561.6), dbSNP rs200382012, ClinGen allele CA163746374.

ClinVar aggregate classification (germline): Uncertain significance (1 of 4 stars; one submission).

Submission:

Labcorp Genetics (formerly Invitae), Labcorp
Classification: Uncertain significance. Last evaluated: 2023-08-30. Review status: criteria provided, single submitter. Criteria: Invitae Variant Classification Sherloc (09022015). Collection method: clinical testing. Allele origin: germline.
Comment: In summary, the available evidence is currently insufficient to determine the role of this variant in disease. Therefore, it has been classified as a Variant of Uncertain Significance. Advanced modeling of protein sequence and biophysical properties (such as structural, functional, and spatial information, amino acid conservation, physicochemical variation, residue mobility, and thermodynamic stability) performed at Invitae indicates that this missense variant is not expected to disrupt KPNA7 protein function. ClinVar contains an entry for this variant (Variation ID: 1478561). This variant has not been reported in the literature in individuals affected with KPNA7-related conditions. This variant is not present in population databases (gnomAD no frequency). This sequence change replaces threonine, which is neutral and polar, with isoleucine, which is neutral and non-polar, at codon 196 of the KPNA7 protein (p.Thr196Ile).